The following is an entry in ClinVar:

NM_000384.3(APOB):c.11132C>T (p.Thr3711Ile)

Gene: APOB (apolipoprotein B; minus strand). Cytogenetic location: 2p24.1.
Variant type: single nucleotide variant.
Coding change: c.11132C>T on transcript NM_000384.3 (MANE Select); coding-DNA position 11132, C replaced by T.
Protein change: p.Thr3711Ile; replaces threonine 3711 with isoleucine.
Molecular consequence: missense variant.
Genome position (GRCh38, 1-based): chr2:21,005,736, G>A on the plus strand (C>T on the coding strand, the complement: APOB is on the minus strand). VCF-style: chr2-21005736-G-A. GRCh37 (hg19) VCF-style: chr2-21228608-G-A.
Other names: short protein forms T3711I.
Identifiers: ClinVar variation 1795532 (VCV001795532.3), dbSNP rs2465357657, ClinGen allele CA345983281.

ClinVar aggregate classification (germline): Uncertain significance (1 of 4 stars; one submission).

Conditions:
Cardiovascular phenotype. Identifiers: MedGen CN230736.

Submission:

Ambry Genetics
Classification: Uncertain significance for Cardiovascular phenotype. Last evaluated: 2025-01-28. Review status: criteria provided, single submitter. Criteria: Ambry Variant Classification Scheme 2023. Collection method: clinical testing. Allele origin: germline.
Comment: The p.T3711I variant (also known as c.11132C>T), located in coding exon 26 of the APOB gene, results from a C to T substitution at nucleotide position 11132. The threonine at codon 3711 is replaced by isoleucine, an amino acid with similar properties. This amino acid position is well conserved in available vertebrate species. In addition, the in silico prediction for this alteration is inconclusive. Since supporting evidence is limited at this time, the clinical significance of this alteration remains unclear.